The following is an entry in ClinVar:

ClinVar aggregate classification (germline): Likely pathogenic (1 of 4 stars; one submission).

Conditions:
Bohring-Opitz syndrome. Also called: C-LIKE SYNDROME; BOHRING SYNDROME; OPITZ TRIGONOCEPHALY-LIKE SYNDROME; ASXL1-Related Bohring-Opitz Syndrome. Identifiers: Orphanet 97297, MedGen C0796232, MONDO:0011510, OMIM 605039.

Allele frequency attached by ClinVar (database versions not stated): gnomAD 0.00001; TOPMed below 0.00001.
gnomAD v4.1: 1 of 1,613,710 alleles (0.000062%); highest among the groups gnomAD compares: African/African-American, 0.0013%; no homozygotes.

Submission:

Greenwood Genetic Center Diagnostic Laboratories, Greenwood Genetic Center
Classification: Likely pathogenic for Bohring-Opitz syndrome. Last evaluated: 2021-11-24. Review status: criteria provided, single submitter. Criteria: ACMG Guidelines, 2015. Collection method: clinical testing. Allele origin: germline. Affected: yes.
Comment: PVS1, PM2

NM_015338.6(ASXL1):c.1015C>T (p.Gln339Ter)

Gene: ASXL1 (ASXL transcriptional regulator 1; plus strand). Cytogenetic location: 20q11.21.
Variant type: single nucleotide variant.
Coding change: c.1015C>T on transcript NM_015338.6 (MANE Select); coding-DNA position 1015, C replaced by T.
Protein change: p.Gln339Ter; replaces glutamine 339 with a stop codon.
Molecular consequence: nonsense.
Genome position (GRCh38, 1-based): chr20:32,432,915, C>T. VCF-style: chr20-32432915-C-T. GRCh37 (hg19) VCF-style: chr20-31020718-C-T.
Other names: c.832C>T, p.Gln278Ter (NM_001363734.1); short protein forms Q278*, Q339*.
Identifiers: ClinVar variation 1334673 (VCV001334673.4), dbSNP rs2011567269, ClinGen allele CA408555168.